The following is an entry in ClinVar:

NM_001100.4(ACTA1):c.685A>G (p.Met229Val)

Gene: ACTA1 (actin alpha 1, skeletal muscle; minus strand). Cytogenetic location: 1q42.13.
Variant type: single nucleotide variant.
Coding change: c.685A>G on transcript NM_001100.4 (MANE Select); coding-DNA position 685, A replaced by G.
Protein change: p.Met229Val; replaces methionine 229 with valine.
Molecular consequence: missense variant.
Genome position (GRCh38, 1-based): chr1:229,432,117, T>C on the plus strand (A>G on the coding strand, the complement: ACTA1 is on the minus strand). VCF-style: chr1-229432117-T-C. GRCh37 (hg19) VCF-style: chr1-229567864-T-C.
Other names: NM_001100.4(ACTA1):c.685A>G; short protein forms M229V.
Identifiers: ClinVar variation 197716 (VCV000197716.8), dbSNP rs794727714, ClinGen allele CA246018.

ClinVar aggregate classification (germline): Pathogenic. Review status: reviewed by expert panel (3 of 4 stars). 3 submissions from 3 submitters: Pathogenic (1). 2 of the submissions do not count toward it. Last evaluated 2026-06-08.

Conditions:
Alpha-actinopathy. Also called: Actinopathy. Identifiers: MedGen CN295279, MONDO:0100084.
Actin accumulation myopathy (CMYO2A). Also called: Nemaline myopathy type 3; Myopathy, actin, congenital, with excess of thin myofilaments; CONGENITAL MYOPATHY 2A, TYPICAL, AUTOSOMAL DOMINANT; Myopathy, actin, congenital, with cores; Nemaline myopathy 3, with intranuclear rods. Identifiers: Orphanet 98904, MedGen C3711389, MONDO:0008070, OMIM 161800.

Submissions (3):

ClinGen Congenital Myopathies Variant Curation Expert Panel, ClinGen
Classification: Pathogenic for Alpha-actinopathy. Last evaluated: 2026-06-08. Review status: reviewed by expert panel. Criteria: ClinGen CongenMyopathy ACMG Specifications ACTA1_AD_ V2.0.0. Collection method: curation. Allele origin: germline. Inheritance: Autosomal dominant inheritance.
Comment: The NM_001100.4(ACTA1):c.685A>G (p.Met229Val) variant in ACTA1 is a missense variant predicted to cause a substitution of methionine by valine at amino acid 229 (p.Met229Val). This variant is absent from gnomAD v4.1.0 (PM2_Supporting). ACTA1, in which the variant was identified, is defined by the ClinGen Congenital Myopathies VCEP as a gene that has a low rate of benign missense variation and where pathogenic missense variants are a common mechanism of dominant disease (PP2). The computational predictor REVEL gives a score of 0.854, which is above the threshold of 0.7, evidence that correlates with impact to ACTA1 function (PP3). Six different missense variants, [c.685A>T (p.Met229Leu), c.686T>G (p.Met229Arg), c.686T>C (p.Met229Thr), c.687G>A (p.Met229Ile), c.687G>C (p.Met229Ile), c.687G>T (p.Met229Ile)], in the same codon have been reported in patients with congenital myopathies (PMIDs: 12921789, 19562689, VCEP internal contributor], of which at least one has met the criteria to be classified as pathogenic by the ClinGen Congenital Myopathies VCEP (PM5). This variant has been observed in the heterozygous state in 4 individuals including a de novo occurrence in twins with clinical and histological features compatible with ACTA1-related myopathy including presence of numerous nemaline bodies (PS2, PS4_Moderate, PP4; PMIDs: 19562689, 15236405, 12921789). In summary, this variant meets the criteria to be classified as pathogenic for autosomal dominant alpha-actinopathy based on the ACMG/AMP criteria applied, as specified by the ClinGen Congenital Myopathies VCEP: PS2, PS4_Moderate, PM5, PM2_Supporting, PP2, PP3, PP4 (ClinGen Congenital Myopathies VCEP specifications version 2.0.0).

Eurofins Ntd Llc (ga)
Classification: Uncertain significance. Last evaluated: 2015-02-06. Review status: criteria provided, single submitter. Criteria: EGL Classification Definitions 2015. Collection method: clinical testing. Allele origin: germline. Observed: 2 variant alleles, 2 heterozygotes. Not counted in ClinVar's aggregate classification.

Clinical Genetics Laboratory, University Hospital Schleswig-Holstein
Classification: Likely pathogenic for Actin accumulation myopathy. Last evaluated: 2022-03-01. Review status: no assertion criteria provided. Collection method: clinical testing. Allele origin: germline. Affected: yes. Not counted in ClinVar's aggregate classification.